The following is an entry in ClinVar:

NM_001035.3(RYR2):c.1050A>C (p.Gly350=)

Gene: RYR2 (ryanodine receptor 2; plus strand). Cytogenetic location: 1q43.
Variant type: single nucleotide variant.
Coding change: c.1050A>C on transcript NM_001035.3 (MANE Select); coding-DNA position 1050, A replaced by C.
Protein change: p.Gly350=; no amino-acid change (glycine 350 retained).
Molecular consequence: synonymous variant.
Genome position (GRCh38, 1-based): chr1:237,441,363, A>C. VCF-style: chr1-237441363-A-C. GRCh37 (hg19) VCF-style: chr1-237604663-A-C.
Identifiers: ClinVar variation 3074129 (VCV003074129.1), dbSNP rs2528321082, ClinGen allele CA423811559.
Genomic context (GRCh38, chr1:237,441,363, plus strand): 5'-CCTCCTCTCCCCTTAGGAAAAATTGGATGTAGGGGTGAGAAAAGAAGTAGATGGCATGGG[A>C]ACATCTGAAATAAAATACGGTGACTCAGTATGCTATATACAACATGTAGACACAGGCCTA-3'
Protein context (NP_001026.2, residues 340-360): VGVRKEVDGM[Gly350=]TSEIKYGDSV

ClinVar aggregate classification (germline): Likely benign (1 of 4 stars; one submission).

Conditions:
Catecholaminergic polymorphic ventricular tachycardia (CVPT). Also called: Catecholamine-induced polymorphic ventricular tachycardia. Identifiers: Orphanet 3286, MedGen C5574922, MONDO:0017990.

Submission:

All of Us Research Program, National Institutes of Health
Classification: Likely benign for Catecholaminergic polymorphic ventricular tachycardia. Last evaluated: 2023-10-23. Review status: criteria provided, single submitter. Criteria: ACMG Guidelines, 2015. Collection method: clinical testing. Allele origin: germline. Inheritance: Autosomal dominant inheritance. Observed: 1 variant allele, 1 heterozygote.
Comment: This study involves interpretation of variants in research participants for the purpose of population health screening. Participant phenotype was not available at the time of variant classification. Additional details can be found in publication PMID: 35346344, PMCID: PMC8962531